The following is an entry in ClinVar:

NM_021926.4(ALX4):c.*3773A>G

Gene: ALX4 (ALX homeobox 4; minus strand). Cytogenetic location: 11p11.2.
Variant type: single nucleotide variant.
Coding change: c.*3773A>G on transcript NM_021926.4 (MANE Select); 3773 bases downstream of the stop codon, A replaced by G.
Molecular consequence: 3 prime UTR variant.
Genome position (GRCh38, 1-based): chr11:44,261,081, T>C on the plus strand (A>G on the coding strand, the complement: ALX4 is on the minus strand). VCF-style: chr11-44261081-T-C. GRCh37 (hg19) VCF-style: chr11-44282631-T-C.
Identifiers: ClinVar variation 877251 (VCV000877251.4), dbSNP rs114755169, ClinGen allele CA221483762.

ClinVar aggregate classification (germline): Benign (1 of 4 stars; one submission).

Conditions:
Parietal foramina 2 (PFM2). Identifiers: Orphanet 60015, MedGen C1865044, MONDO:0012309, OMIM 609597.

Allele frequency attached by ClinVar (database versions not stated): 1000 Genomes Project 0.00379; gnomAD 0.00381 and 0.00394; 1000 Genomes Project 30x 0.00406; TOPMed 0.00443.

Submission:

Illumina Laboratory Services, Illumina
Classification: Benign for Parietal foramina 2. Last evaluated: 2018-01-13. Review status: criteria provided, single submitter. Criteria: ICSL Variant Classification Criteria 13 December 2019. Collection method: clinical testing. Allele origin: germline.
Comment: This variant was observed in the ICSL laboratory as part of a predisposition screen in an ostensibly healthy population. It had not been previously curated by ICSL or reported in the Human Gene Mutation Database (HGMD: prior to June 1st, 2018), and was therefore a candidate for classification through an automated scoring system. Utilizing variant allele frequency, disease prevalence and penetrance estimates, and inheritance mode, an automated score was calculated to assess if this variant is too frequent to cause the disease. Based on the score and internal cut-off values, a variant classified as benign is not then subjected to further curation. The score for this variant resulted in a classification of benign for this disease.